The following is an entry in ClinVar:

NM_001267550.2(TTN):c.73149G>A (p.Ser24383=)

Genes: TTN (titin; minus strand), TTN-AS1 (TTN antisense RNA 1; plus strand). Cytogenetic location: 2q31.2.
Variant type: single nucleotide variant.
Coding change: c.73149G>A on transcript NM_001267550.2 (MANE Select); coding-DNA position 73149, G replaced by A.
Protein change: p.Ser24383=; no amino-acid change (serine 24383 retained).
Molecular consequence: synonymous variant.
Genome position (GRCh38, 1-based): chr2:178,572,983, C>T on the plus strand (G>A on the coding strand, the complement: TTN is on the minus strand). VCF-style: chr2-178572983-C-T. GRCh37 (hg19) VCF-style: chr2-179437710-C-T.
Other names: c.73149G>A (NM_001267550.1); c.68226G>A, p.Ser22742= (NM_001256850.1); c.45954G>A, p.Ser15318= (NM_003319.4); c.65445G>A, p.Ser21815= (NM_133378.4); c.46329G>A, p.Ser15443= (NM_133432.3); c.46530G>A, p.Ser15510= (NM_133437.4).
Identifiers: ClinVar variation 413110 (VCV000413110.41), dbSNP rs564938876, ClinGen allele CA1990414.

ClinVar aggregate classification (germline): Likely benign. Review status: criteria provided, multiple submitters, no conflicts (2 of 4 stars). 6 submissions from 6 submitters: Likely benign (6). Last evaluated 2025-12-04.

Conditions:
Cardiovascular phenotype. Identifiers: MedGen CN230736.
Autosomal recessive limb-girdle muscular dystrophy type 2J (LGMDR10). Also called: MUSCULAR DYSTROPHY, LIMB-GIRDLE, AUTOSOMAL RECESSIVE 10; Limb-girdle muscular dystrophy, type 2J. Identifiers: Orphanet 140922, MedGen C1837342, MONDO:0012127, OMIM 608807.
Dilated cardiomyopathy 1G (CMD1G). Identifiers: Orphanet 154, MedGen C1858763, MONDO:0011400, OMIM 604145.
Hypertrophic cardiomyopathy 9. Also called: Familial hypertrophic cardiomyopathy 9. Identifiers: MedGen C1861065, MONDO:0013412, OMIM 613765.
Myopathy, myofibrillar, 9, with early respiratory failure (MFM9). Also called: MYOPATHY, PROXIMAL, WITH EARLY RESPIRATORY MUSCLE INVOLVEMENT; Myopathy, distal, with early respiratory failure, autosomal dominant; EDSTROM MYOPATHY; Hereditary myopathy with early respiratory failure. Identifiers: Orphanet 178464, Orphanet 34521, MedGen C1863599, MONDO:0011362, OMIM 603689.
Tibial muscular dystrophy (TMD). Also called: UDD MYOPATHY; Udd Distal Myopathy – Tibial Muscular Dystrophy; Tibial muscular dystrophy, tardive. Identifiers: Orphanet 609, MedGen C1838244, MONDO:0010870, OMIM 600334.
Early-onset myopathy with fatal cardiomyopathy (CMYO5). Also called: CONGENITAL MYOPATHY 5 WITH CARDIOMYOPATHY; Salih Myopathy. Identifiers: Orphanet 289377, MedGen C2673677, MONDO:0012714, OMIM 611705. Disease mechanism: loss of function.

Allele frequency attached by ClinVar (database versions not stated): ExAC 0.00004; gnomAD 0.00001; gnomAD exomes 0.00001 and 0.00002; TOPMed 0.00002.
gnomAD v4.1: 21 of 1,612,982 alleles (0.0013%); highest among the groups gnomAD compares: Middle Eastern, 0.016%; no homozygotes.

Submissions (6):

Ambry Genetics
Classification: Likely benign for Cardiovascular phenotype. Last evaluated: 2025-12-04. Review status: criteria provided, single submitter. Criteria: Ambry Variant Classification Scheme 2023. Collection method: clinical testing. Allele origin: germline.

Labcorp Genetics (formerly Invitae), Labcorp
Classification: Likely benign for Dilated cardiomyopathy 1G; Autosomal recessive limb-girdle muscular dystrophy type 2J. Last evaluated: 2025-05-08. Review status: criteria provided, single submitter. Criteria: Invitae Variant Classification Sherloc (09022015). Collection method: clinical testing. Allele origin: germline.

CeGaT Center for Human Genetics Tuebingen
Classification: Likely benign. Last evaluated: 2023-06-01. Review status: criteria provided, single submitter. Criteria: CeGaT Center For Human Genetics Tuebingen Variant Classification Criteria Version 2. Collection method: clinical testing. Allele origin: germline. Affected: yes. Observed: 1 variant allele.
Comment: TTN: BP4, BP7

Fulgent Genetics
Classification: Likely benign for Tibial muscular dystrophy; Myopathy, myofibrillar, 9, with early respiratory failure; Dilated cardiomyopathy 1G; Autosomal recessive limb-girdle muscular dystrophy type 2J; Early-onset myopathy with fatal cardiomyopathy; Hypertrophic cardiomyopathy 9. Last evaluated: 2021-10-13. Review status: criteria provided, single submitter. Criteria: ACMG Guidelines, 2015. Collection method: clinical testing. Allele origin: unknown.

Women's Health and Genetics/Laboratory Corporation of America, LabCorp
Classification: Likely benign. Last evaluated: 2021-05-16. Review status: criteria provided, single submitter. Criteria: LabCorp Variant Classification Summary - May 2015. Collection method: clinical testing. Allele origin: germline.

GeneDx
Classification: Likely benign. Last evaluated: 2020-01-06. Review status: criteria provided, single submitter. Criteria: GeneDx Variant Classification Process June 2021. Collection method: clinical testing. Allele origin: germline. Affected: yes.
Comment: See Variant Classification Assertion Criteria.